The following is an entry in ClinVar:

ClinVar aggregate classification (germline): Uncertain significance (1 of 4 stars; one submission).

Submission:

Labcorp Genetics (formerly Invitae), Labcorp
Classification: Uncertain significance. Last evaluated: 2025-09-11. Review status: criteria provided, single submitter. Criteria: Invitae Variant Classification Sherloc (09022015). Collection method: clinical testing. Allele origin: germline.
Comment: This sequence change replaces glutamic acid, which is acidic and polar, with lysine, which is basic and polar, at codon 145 of the IRF9 protein (p.Glu145Lys). This variant is not present in population databases (gnomAD no frequency). This variant has not been reported in the literature in individuals affected with IRF9-related conditions. An algorithm developed to predict the effect of missense changes on protein structure and function outputs the following: PolyPhen-2: "Benign". The lysine amino acid residue is found in multiple mammalian species, which suggests that this missense change does not adversely affect protein function. In summary, the available evidence is currently insufficient to determine the role of this variant in disease. Therefore, it has been classified as a Variant of Uncertain Significance.

NM_006084.5(IRF9):c.433G>A (p.Glu145Lys)

Gene: IRF9 (interferon regulatory factor 9; plus strand). Cytogenetic location: 14q12.
Variant type: single nucleotide variant.
Coding change: c.433G>A on transcript NM_006084.5 (MANE Select); coding-DNA position 433, G replaced by A.
Protein change: p.Glu145Lys; replaces glutamic acid 145 with lysine.
Molecular consequence: missense variant.
Genome position (GRCh38, 1-based): chr14:24,163,446, G>A. VCF-style: chr14-24163446-G-A. GRCh37 (hg19) VCF-style: chr14-24632655-G-A.
Other names: c.433G>A, p.Glu145Lys (NM_001385400.1, NM_001385401.1, NM_001385402.1); short protein forms E145K.
Identifiers: ClinVar variation 4710236 (VCV004710236.1).
Genomic context (GRCh38, chr14:24,163,446, plus strand): 5'-GGGACTCAGAAAGTACCATCAAAGCGACAGCACAGTTCTGTGTCCTCTGAGAGGAAGGAG[G>A]AAGAGGATGCCATGCAGAACTGCACACTCAGTCCCTCTGTGCTCCAGGACTCCCTCAATA-3'
Protein context (NP_006075.3, residues 135-155): HSSVSSERKE[Glu145Lys]EDAMQNCTLS